The following is an entry in ClinVar:

ClinVar aggregate classification (germline): Conflicting classifications of pathogenicity. Review status: criteria provided, conflicting classifications (1 of 4 stars). 4 submissions from 4 submitters: Uncertain significance (3); Benign (1). Last evaluated 2026-01-24.

Conditions:
Neurofibromatosis, type 1 (NF1). Also called: VON RECKLINGHAUSEN DISEASE; NEUROFIBROMATOSIS, TYPE I, SOMATIC; Peripheral type neurofibromatosis; Neurofibromatosis, type I. Identifiers: Orphanet 636, MedGen C0027831, MONDO:0018975, OMIM 162200. Disease mechanism: loss of function.
Cardiovascular phenotype. Identifiers: MedGen CN230736.
Hereditary cancer-predisposing syndrome. Also called: Neoplastic Syndromes, Hereditary; Tumor predisposition; Hereditary neoplastic syndrome; Hereditary Cancer Syndrome. Identifiers: Orphanet 140162, MedGen C0027672, MeSH D009386, MONDO:0015356.
Juvenile myelomonocytic leukemia (JMML). Also called: LEUKEMIA, JUVENILE MYELOMONOCYTIC, SOMATIC. Identifiers: Orphanet 86834, MedGen C0349639, MONDO:0011908, OMIM 607785, HP:0012209.

gnomAD v4.1: 1 of 1,612,906 alleles (0.000062%); highest among the groups gnomAD compares: African/African-American, 0.0013%; no homozygotes.

Submissions (4):

Labcorp Genetics (formerly Invitae), Labcorp
Classification: Benign for Neurofibromatosis, type 1. Last evaluated: 2026-01-24. Review status: criteria provided, single submitter. Criteria: Invitae Variant Classification Sherloc (09022015). Collection method: clinical testing. Allele origin: germline.

Ambry Genetics
Classification: Uncertain significance for Cardiovascular phenotype; Hereditary cancer-predisposing syndrome. Last evaluated: 2025-08-20. Review status: criteria provided, single submitter. Criteria: Ambry Variant Classification Scheme 2023. Collection method: clinical testing. Allele origin: germline.
Comment: The p.A1695T variant (also known as c.5083G>A), located in coding exon 36 of the NF1 gene, results from a G to A substitution at nucleotide position 5083. The alanine at codon 1695 is replaced by threonine, an amino acid with similar properties. This amino acid position is highly conserved in available vertebrate species. In addition, this alteration is predicted to be tolerated by in silico analysis. Since supporting evidence is limited at this time, the clinical significance of this alteration remains unclear.

Baylor Genetics
Classification: Uncertain significance for Juvenile myelomonocytic leukemia. Last evaluated: 2023-10-06. Review status: criteria provided, single submitter. Criteria: ACMG Guidelines, 2015. Collection method: clinical testing. Allele origin: unknown.

Genome-Nilou Lab
Classification: Uncertain significance for Neurofibromatosis, type 1. Last evaluated: 2022-03-15. Review status: criteria provided, single submitter. Criteria: ACMG Guidelines, 2015. Collection method: clinical testing. Allele origin: germline. Affected: no.

NM_001042492.3(NF1):c.5146G>A (p.Ala1716Thr)

Gene: NF1 (neurofibromin 1; plus strand). Cytogenetic location: 17q11.2.
Variant type: single nucleotide variant.
Coding change: c.5146G>A on transcript NM_001042492.3 (MANE Select); coding-DNA position 5146, G replaced by A.
Protein change: p.Ala1716Thr; replaces alanine 1716 with threonine.
Molecular consequence: missense variant.
Genome position (GRCh38, 1-based): chr17:31,326,130, G>A. VCF-style: chr17-31326130-G-A. GRCh37 (hg19) VCF-style: chr17-29653148-G-A.
Other names: c.5083G>A, p.Ala1695Thr (NM_000267.4); short protein forms A1716T, A1695T.
Identifiers: ClinVar variation 527595 (VCV000527595.15), dbSNP rs767469374, ClinGen allele CA399007798.